The following is an entry in ClinVar:

ClinVar aggregate classification (germline): Conflicting classifications of pathogenicity. Review status: criteria provided, conflicting classifications (1 of 4 stars). 12 submissions from 12 submitters: Uncertain significance (8); Likely benign (3). 1 of the submissions does not count toward it. Last evaluated 2025-12-21.

Conditions:
Classic or attenuated familial adenomatous polyposis. Identifiers: MedGen CN372698, MONDO:0021057.
Hereditary cancer-predisposing syndrome. Also called: Hereditary Cancer Syndrome; Tumor predisposition; Neoplastic Syndromes, Hereditary; Hereditary neoplastic syndrome. Identifiers: Orphanet 140162, MedGen C0027672, MeSH D009386, MONDO:0015356.
Familial adenomatous polyposis 1 (FAP1). Also called: FAMILIAL ADENOMATOUS POLYPOSIS 1, ATTENUATED; POLYPOSIS, ADENOMATOUS INTESTINAL. Identifiers: MedGen C2713442, MONDO:0021056, OMIM 175100. Disease mechanism: loss of function.

Allele frequency attached by ClinVar (database versions not stated): TOPMed 0.00003; ExAC 0.00004; gnomAD 0.00004; ESP Exome Variant Server 0.00023.
gnomAD v4.1: 156 of 1,613,626 alleles (0.0097%); highest among the groups gnomAD compares: Non-Finnish European, 0.013%; no homozygotes.

Submissions (12):

Labcorp Genetics (formerly Invitae), Labcorp
Classification: Uncertain significance for Familial adenomatous polyposis 1. Last evaluated: 2025-12-21. Review status: criteria provided, single submitter. Criteria: Invitae Variant Classification Sherloc (09022015). Collection method: clinical testing. Allele origin: germline.
Comment: This sequence change replaces lysine, which is basic and polar, with glutamic acid, which is acidic and polar, at codon 2524 of the APC protein (p.Lys2524Glu). This variant is present in population databases (rs143060722, gnomAD 0.01%). This missense change has been observed in individual(s) with clinical features of Lynch syndrome (PMID: 25980754). ClinVar contains an entry for this variant (Variation ID: 127320). Invitae Evidence Modeling of protein sequence and biophysical properties (such as structural, functional, and spatial information, amino acid conservation, physicochemical variation, residue mobility, and thermodynamic stability) indicates that this missense variant is not expected to disrupt APC protein function with a negative predictive value of 95%. In summary, the available evidence is currently insufficient to determine the role of this variant in disease. Therefore, it has been classified as a Variant of Uncertain Significance.

Color Diagnostics, LLC DBA Color Health
Classification: Likely benign for Hereditary cancer-predisposing syndrome. Last evaluated: 2025-12-10. Review status: criteria provided, single submitter. Criteria: ACMG Guidelines, 2015. Collection method: clinical testing. Allele origin: germline.

Quest Diagnostics Nichols Institute San Juan Capistrano
Classification: Uncertain significance. Last evaluated: 2025-10-19. Review status: criteria provided, single submitter. Criteria: Quest Diagnostics criteria. Collection method: clinical testing. Allele origin: unknown.
Comment: The APC c.7570A>G (p.Lys2524Glu) variant has been reported in the published literature in an individual with Lynch syndrome-associated cancer (PMID: 25980754 (2015)) and in an unspecified cancer (PMID: 29684080 (2018)). The frequency of this variant in the general population (Genome Aggregation Database) is higher than would generally be expected for pathogenic variants in this gene. Analysis of this variant using bioinformatics tools for the prediction of the effect of amino acid changes on protein structure and function yielded conflicting predictions that this variant is benign or damaging. Based on the available information, we are unable to determine the clinical significance of this variant.

Women's Health and Genetics/Laboratory Corporation of America, LabCorp
Classification: Uncertain significance. Last evaluated: 2025-09-22. Review status: criteria provided, single submitter. Criteria: LabCorp Variant Classification Summary - May 2015. Collection method: clinical testing. Allele origin: germline.
Comment: Variant summary: APC c.7570A>G (p.Lys2524Glu) results in a conservative amino acid change located in the Adenomatous polyposis coli protein basic domain (IPR009234) of the encoded protein sequence. Algorithms developed to predict the effect of missense changes on protein structure and function are either unavailable or do not agree on the potential impact of this missense change. The variant allele was found at a frequency of 4.4e-05 in 250864 control chromosomes. This frequency is not significantly higher than estimated for disease-causing variants in APC, allowing no conclusion about variant significance. c.7570A>G has been observed in individual(s) affected with cancer, including Skin Cutaneous Melanoma and Lynch syndrome (Yehia_2018, Yurgelun_2015). These report(s) do not provide unequivocal conclusions about association of the variant with Familial Adenomatous Polyposis. To our knowledge, no experimental evidence demonstrating an impact on protein function has been reported. The following publications have been ascertained in the context of this evaluation (PMID: 30705875, 29684080, 25980754). ClinVar contains an entry for this variant (Variation ID: 127320). Based on the evidence outlined above, the variant was classified as uncertain significance.

St. Jude Molecular Pathology, St. Jude Children's Research Hospital
Classification: Uncertain significance for Familial adenomatous polyposis 1. Last evaluated: 2025-06-17. Review status: criteria provided, single submitter. Criteria: St. Jude Assertion Criteria 2020. Collection method: clinical testing. Allele origin: germline.
Comment: The APC c.7570A>G p.(Lys2524Glu) missense change has a maximum subpopulation frequency of 0.01% in gnomAD v2.1.1. The in silico tool REVEL is inconclusive about a pathogenic or benign effect of this variant on protein function, and to our knowledge functional studies have not been performed. This variant has been reported in a cohort of individuals undergoing genetic testing for Lynch syndrome (PMID: 25980754). In summary, the evidence currently available is insufficient to determine the clinical significance of this variant. It has therefore been classified as of uncertain significance.

Dasa
Classification: Likely benign. Last evaluated: 2025-03-01. Review status: criteria provided, single submitter. Criteria: DASA Assertion Criteria. Collection method: clinical testing. Allele origin: germline.
Comment: NM_000038.6(APC):c.7570A>G (p.Lys2524Glu) is a missense variant that results in the substitution of lysine with glutamic acid. Population frequency is inconsistent with a disease-causing role for this variant, and the variant context is inconsistent with a known disease-causing mechanism. Therefore, based on the currently available evidence, this variant is classified as likely benign.

All of Us Research Program, National Institutes of Health
Classification: Uncertain significance for Classic or attenuated familial adenomatous polyposis. Last evaluated: 2024-09-23. Review status: criteria provided, single submitter. Criteria: ACMG Guidelines, 2015. Collection method: clinical testing. Allele origin: germline. Inheritance: Autosomal dominant inheritance. Observed: 13 variant alleles, 13 heterozygotes.
Comment: This missense variant replaces lysine with glutamic acid at codon 2524 of the APC protein. Computational prediction suggests that this variant may not impact protein structure and function (internally defined REVEL score threshold <= 0.5, PMID: 27666373). To our knowledge, functional studies have not been reported for this variant. This variant has been reported in an individual affected with Lynch syndrome-associated cancer and/or polyps (PMID: 25980754) and in an individual affected with skin melanoma (PMID: 25980754). This variant has been identified in 14/282274 chromosomes in the general population by the Genome Aggregation Database (gnomAD). The available evidence is insufficient to determine the role of this variant in disease conclusively. Therefore, this variant is classified as a Variant of Uncertain Significance.

This study involves interpretation of variants in research participants for the purpose of population health screening. Participant phenotype was not available at the time of variant classification. Additional details can be found in publication PMID: 35346344, PMCID: PMC8962531

Baylor Genetics
Classification: Uncertain significance for Familial adenomatous polyposis 1. Last evaluated: 2024-02-22. Review status: criteria provided, single submitter. Criteria: ACMG Guidelines, 2015. Collection method: clinical testing. Allele origin: unknown.

GeneDx
Classification: Uncertain significance. Last evaluated: 2023-08-07. Review status: criteria provided, single submitter. Criteria: GeneDx Variant Classification Process June 2021. Collection method: clinical testing. Allele origin: germline. Affected: yes.
Comment: In silico analysis supports that this missense variant does not alter protein structure/function; Observed in individuals with Lynch syndrome-associated cancer and/or polyps, and in an individual with melanoma (Yurgelun et al., 2015; Yehia et al., 2018); This variant is associated with the following publications: (PMID: 29684080, 30705875, 25980754)

Myriad Genetics, Inc.
Classification: Uncertain significance for Familial adenomatous polyposis 1. Last evaluated: 2023-02-22. Review status: criteria provided, single submitter. Criteria: Myriad Autosomal Dominant, Autosomal Recessive and X-Linked Classification Criteria (2023). Collection method: clinical testing. Allele origin: unknown.
Comment: This variant is classified as a variant of uncertain significance as there is insufficient evidence to determine its impact on protein function and/or cancer risk.

Ambry Genetics
Classification: Likely benign for Hereditary cancer-predisposing syndrome. Last evaluated: 2021-01-27. Review status: criteria provided, single submitter. Criteria: Ambry Variant Classification Scheme 2023. Collection method: clinical testing. Allele origin: germline.

Counsyl
Classification: Uncertain significance for Familial adenomatous polyposis 1. Last evaluated: 2016-04-14. Review status: no assertion criteria provided. Collection method: clinical testing. Allele origin: unknown. Not counted in ClinVar's aggregate classification.

Literature cited by the submitters: PubMed 25980754 (cited by 6 submitters); PubMed 30705875 (cited by Quest Diagnostics Nichols Institute San Juan Capistrano and Women's Health and Genetics/Laboratory Corporation of America, LabCorp); PubMed 29684080 (cited by 3 submitters).

NM_000038.6(APC):c.7570A>G (p.Lys2524Glu)

Gene: APC (APC regulator of Wnt signaling pathway; plus strand). Cytogenetic location: 5q22.2.
Variant type: single nucleotide variant.
Coding change: c.7570A>G on transcript NM_000038.6 (MANE Select); coding-DNA position 7570, A replaced by G.
Protein change: p.Lys2524Glu; replaces lysine 2524 with glutamic acid.
Molecular consequence: missense variant.
Genome position (GRCh38, 1-based): chr5:112,843,164, A>G. VCF-style: chr5-112843164-A-G. GRCh37 (hg19) VCF-style: chr5-112178861-A-G.
Other names: p.K2524E:AAG>GAG; c.7570A>G, p.Lys2524Glu (NM_001127510.3, NM_001354895.2); c.7516A>G, p.Lys2506Glu (NM_001127511.3); c.7624A>G, p.Lys2542Glu (NM_001354896.2); c.7600A>G, p.Lys2534Glu (NM_001354897.2); c.7495A>G, p.Lys2499Glu (NM_001354898.2); c.7486A>G, p.Lys2496Glu (NM_001354899.2); c.7447A>G, p.Lys2483Glu (NM_001354900.2); and 6 more; short protein forms K2524E, K2506E, K2241E, K2496E, K2499E, K2398E, K2423E, K2433E.
Identifiers: ClinVar variation 127320 (VCV000127320.37), dbSNP rs143060722, ClinGen allele CA013850.
Genomic context (GRCh38, chr5:112,843,164, plus strand): 5'-TGGCGAAAACTCCCACCTAATCTCAGTCCCACTATAGAGTATAATGATGGAAGACCAGCA[A>G]AGCGCCATGATATTGCACGGTCTCATTCTGAAAGTCCTTCTAGACTTCCAATCAATAGGT-3'
Protein context (NP_000029.2, residues 2514-2534): TIEYNDGRPA[Lys2524Glu]RHDIARSHSE